The following is an entry in ClinVar:

ClinVar aggregate classification (germline): Uncertain significance. Review status: criteria provided, multiple submitters, no conflicts (2 of 4 stars). 4 submissions from 4 submitters: Uncertain significance (4). Last evaluated 2025-11-22.

Conditions:
Dilated cardiomyopathy 1J (CMD1J). Also called: CARDIOMYOPATHY, DILATED, WITH SENSORINEURAL HEARING LOSS, AUTOSOMAL DOMINANT. Identifiers: Orphanet 217622, MedGen C1854368, MONDO:0011541, OMIM 605362.
Cardiovascular phenotype. Identifiers: MedGen CN230736.

Allele frequency attached by ClinVar (database versions not stated): ExAC 0.00001.
gnomAD v4.1: 22 of 1,613,942 alleles (0.0014%); highest among the groups gnomAD compares: Middle Eastern, 0.016%; no homozygotes.

Submissions (4):

Labcorp Genetics (formerly Invitae), Labcorp
Classification: Uncertain significance for Dilated cardiomyopathy 1J. Last evaluated: 2025-11-22. Review status: criteria provided, single submitter. Criteria: Invitae Variant Classification Sherloc (09022015). Collection method: clinical testing. Allele origin: germline.
Comment: This sequence change replaces lysine, which is basic and polar, with threonine, which is neutral and polar, at codon 52 of the EYA4 protein (p.Lys52Thr). This variant is present in population databases (rs763983145, gnomAD 0.0009%). This variant has not been reported in the literature in individuals affected with EYA4-related conditions. ClinVar contains an entry for this variant (Variation ID: 1318897). An algorithm developed to predict the effect of missense changes on protein structure and function (PolyPhen-2) suggests that this variant is likely to be disruptive. In summary, the available evidence is currently insufficient to determine the role of this variant in disease. Therefore, it has been classified as a Variant of Uncertain Significance.

GeneDx
Classification: Uncertain significance. Last evaluated: 2025-09-10. Review status: criteria provided, single submitter. Criteria: GeneDx Variant Classification Process June 2021. Collection method: clinical testing. Allele origin: germline. Affected: yes.
Comment: Has not been previously published as pathogenic or benign to our knowledge; Not observed at significant frequency in large population cohorts (gnomAD); In silico analysis suggests that this missense variant does not alter protein structure/function

Ambry Genetics
Classification: Uncertain significance for Cardiovascular phenotype. Last evaluated: 2025-08-24. Review status: criteria provided, single submitter. Criteria: Ambry Variant Classification Scheme 2023. Collection method: clinical testing. Allele origin: germline.

Blueprint Genetics
Classification: Uncertain significance. Last evaluated: 2024-04-17. Review status: criteria provided, single submitter. Criteria: ACMG Guidelines, 2015. Collection method: clinical testing. Allele origin: germline.

NM_004100.5(EYA4):c.155A>C (p.Lys52Thr)

Gene: EYA4 (EYA transcriptional coactivator and phosphatase 4; plus strand). Cytogenetic location: 6q23.2.
Variant type: single nucleotide variant.
Coding change: c.155A>C on transcript NM_004100.5 (MANE Select); coding-DNA position 155, A replaced by C.
Protein change: p.Lys52Thr; replaces lysine 52 with threonine.
Molecular consequence: missense variant.
Genome position (GRCh38, 1-based): chr6:133,446,701, A>C. VCF-style: chr6-133446701-A-C. GRCh37 (hg19) VCF-style: chr6-133767839-A-C.
Other names: c.155A>C, p.Lys52Thr (NM_001301012.2, NM_001301013.2, NM_001370458.1 and 3 more transcripts); short protein forms K52T.
Identifiers: ClinVar variation 1318897 (VCV001318897.16), dbSNP rs763983145, ClinGen allele CA4007966.